The following is an entry in ClinVar:

ClinVar aggregate classification (germline): Likely benign. Review status: criteria provided, multiple submitters, no conflicts (2 of 4 stars). 3 submissions from 3 submitters: Likely benign (3). Last evaluated 2026-09-01.

Conditions:
Inborn genetic diseases. Identifiers: MedGen C0950123, MeSH D030342.

gnomAD v4.1: 139 of 1,614,082 alleles (0.0086%); highest among the groups gnomAD compares: Middle Eastern, 0.099%; no homozygotes.

Submissions (3):

CeGaT Center for Human Genetics Tuebingen
Classification: Likely benign. Last evaluated: 2026-09-01. Review status: criteria provided, single submitter. Criteria: CeGaT Center For Human Genetics Tuebingen Variant Classification Criteria Version 2. Collection method: clinical testing. Allele origin: germline. Affected: yes. Observed: 1 variant allele.
Comment: WASF1: BP4, BS2

Ambry Genetics
Classification: Likely benign for Inborn genetic diseases. Last evaluated: 2025-01-10. Review status: criteria provided, single submitter. Criteria: Ambry Variant Classification Scheme 2023. Collection method: clinical testing. Allele origin: germline.

Blueprint Genetics
Classification: Likely benign. Last evaluated: 2024-08-15. Review status: criteria provided, single submitter. Criteria: ACMG Guidelines, 2015. Collection method: clinical testing. Allele origin: germline.

NM_003931.3(WASF1):c.1336A>C (p.Thr446Pro)

Gene: WASF1 (WASP family member 1; minus strand). Cytogenetic location: 6q21.
Variant type: single nucleotide variant.
Coding change: c.1336A>C on transcript NM_003931.3 (MANE Select); coding-DNA position 1336, A replaced by C.
Protein change: p.Thr446Pro; replaces threonine 446 with proline.
Molecular consequence: missense variant.
Genome position (GRCh38, 1-based): chr6:110,101,774, T>G on the plus strand (A>C on the coding strand, the complement: WASF1 is on the minus strand). VCF-style: chr6-110101774-T-G. GRCh37 (hg19) VCF-style: chr6-110422977-T-G.
Other names: c.1336A>C, p.Thr446Pro (NM_001024934.2, NM_001024935.2, NM_001024936.2); short protein forms T446P.
Identifiers: ClinVar variation 3815653 (VCV003815653.3).